The following is an entry in ClinVar:

ClinVar aggregate classification (germline): Benign/Likely benign. Review status: criteria provided, multiple submitters, no conflicts (2 of 4 stars). 15 submissions from 12 submitters: Benign (4); Likely benign (10). 1 of the submissions does not count toward it. Last evaluated 2026-06-01.

Conditions:
KCNQ1-related disorder. Also called: KCNQ1-related condition; KCNQ1-related disorders. Identifiers: MedGen CN239322.
Cardiovascular phenotype. Identifiers: MedGen CN230736.
Cardiac arrhythmia. Also called: Arrhythmia; Cardiac rhythm disease. Identifiers: MedGen C0003811, MONDO:0007263, HP:0011675.
Long QT syndrome (LQTS). Identifiers: MedGen C0023976, MeSH D008133, MONDO:0002442. Disease mechanism: loss of function. Inheritance: Various modes of inheritance.
Jervell and Lange-Nielsen syndrome 1 (JLNS1). Also called: PROLONGED QT INTERVAL IN EKG AND SUDDEN DEATH; SURDO-CARDIAC SYNDROME; CARDIOAUDITORY SYNDROME OF JERVELL AND LANGE-NIELSEN; DEAFNESS, CONGENITAL, AND FUNCTIONAL HEART DISEASE. Identifiers: Orphanet 768, Orphanet 90647, MedGen C4551509, MONDO:0024540, OMIM 220400.
Atrial fibrillation, familial, 3 (ATFB3). Identifiers: MedGen C1837014, MONDO:0011857, OMIM 607554.
Long QT syndrome 1 (LQT1). Identifiers: Orphanet 101016, Orphanet 768, MedGen C4551647, MONDO:0100316, OMIM 192500, MONDO:0008646.
Short QT syndrome type 2. Identifiers: Orphanet 51083, MedGen C1865019, MONDO:0012313, OMIM 609621.

Allele frequency attached by ClinVar (database versions not stated): 1000 Genomes Project 30x 0.00016; 1000 Genomes Project 0.00020; TOPMed 0.00076; ESP Exome Variant Server 0.00108.
gnomAD v4.1: 1,372 of 1,612,624 alleles (0.085%); highest among the groups gnomAD compares: Admixed American, 0.11%; 4 homozygotes.

Submissions (15):

CeGaT Center for Human Genetics Tuebingen
Classification: Likely benign. Last evaluated: 2026-06-01. Review status: criteria provided, single submitter. Criteria: CeGaT Center For Human Genetics Tuebingen Variant Classification Criteria Version 2. Collection method: clinical testing. Allele origin: germline. Affected: yes. Observed: 27 variant alleles.
Comment: KCNQ1: BP4, BP7

Labcorp Genetics (formerly Invitae), Labcorp
Classification: Benign for Long QT syndrome. Last evaluated: 2026-02-03. Review status: criteria provided, single submitter. Criteria: Invitae Variant Classification Sherloc (09022015). Collection method: clinical testing. Allele origin: germline.

ARUP Laboratories, Molecular Genetics and Genomics, ARUP Laboratories
Classification: Likely benign. Last evaluated: 2025-07-22. Review status: criteria provided, single submitter. Criteria: ARUP Molecular Germline Variant Investigation Process 2024. Collection method: clinical testing. Allele origin: germline.

Mayo Clinic Laboratories, Mayo Clinic
Classification: Likely benign. Last evaluated: 2025-06-09. Review status: criteria provided, single submitter. Criteria: ACMG Guidelines, 2015. Collection method: clinical testing. Allele origin: germline. Observed: 3 variant alleles.
Comment: BS1, BP4, BP7

Blueprint Genetics
Classification: Likely benign. Last evaluated: 2024-11-21. Review status: criteria provided, single submitter. Criteria: ACMG Guidelines, 2015. Collection method: clinical testing. Allele origin: germline.

Color Diagnostics, LLC DBA Color Health
Classification: Benign for Arrhythmia. Last evaluated: 2018-04-26. Review status: criteria provided, single submitter. Criteria: ACMG Guidelines, 2015. Collection method: clinical testing. Allele origin: germline.

Women's Health and Genetics/Laboratory Corporation of America, LabCorp
Classification: Benign. Last evaluated: 2017-11-22. Review status: criteria provided, single submitter. Criteria: LabCorp Variant Classification Summary - May 2015. Collection method: clinical testing. Allele origin: germline.
Comment: Variant summary: The KCNQ1 c.513C>T (p.Tyr171Tyr) variant involves the alteration of a non-conserved nucleotide, resulting in a synonymous change. One in silico tool predicts a damaging outcome for this variant. 5/5 splice prediction tools predict no significant impact on normal splicing. ESE finder predicts that this variant may affect ESE site of SRp55. However, these predictions have yet to be confirmed by functional studies. This variant was found in 240/275760 control chromosomes (gnomAD) at a frequency of 0.0008703, which is approximately 9 times the estimated maximal expected allele frequency of a pathogenic KCNQ1 variant (0.0001), suggesting this variant is likely a benign polymorphism. In addition, multiple clinical diagnostic laboratories/reputable databases classified this variant as likely benign. Taken together, this variant is classified as benign.

Illumina Laboratory Services, Illumina
Classification: Likely benign for Long QT syndrome 1. Last evaluated: 2017-04-27. Review status: criteria provided, single submitter. Criteria: ICSL Variant Classification Criteria 13 December 2019. Collection method: clinical testing. Allele origin: germline.
Comment: This variant was observed as part of a predisposition screen in an ostensibly healthy population. A literature search was performed for the gene, cDNA change, and amino acid change (where applicable). No publications were found based on this search. Allele frequency data from public databases allowed determination this variant is unlikely to cause disease. Therefore, this variant is classified as likely benign.

Illumina Laboratory Services, Illumina
Classification: Likely benign for Jervell and Lange-Nielsen syndrome 1. Last evaluated: 2017-04-27. Review status: criteria provided, single submitter. Criteria: ICSL Variant Classification Criteria 13 December 2019. Collection method: clinical testing. Allele origin: germline.
Comment: the same text as in the submission from Illumina Laboratory Services, Illumina above.

Illumina Laboratory Services, Illumina
Classification: Likely benign for Atrial fibrillation, familial, 3. Last evaluated: 2017-04-27. Review status: criteria provided, single submitter. Criteria: ICSL Variant Classification Criteria 13 December 2019. Collection method: clinical testing. Allele origin: germline.
Comment: the same text as in the submission from Illumina Laboratory Services, Illumina above.

Illumina Laboratory Services, Illumina
Classification: Likely benign for Short QT syndrome type 2. Last evaluated: 2017-04-27. Review status: criteria provided, single submitter. Criteria: ICSL Variant Classification Criteria 13 December 2019. Collection method: clinical testing. Allele origin: germline.
Comment: the same text as in the submission from Illumina Laboratory Services, Illumina above.

Ambry Genetics
Classification: Likely benign for Cardiovascular phenotype. Last evaluated: 2015-05-13. Review status: criteria provided, single submitter. Criteria: Ambry Variant Classification Scheme 2023. Collection method: clinical testing. Allele origin: germline.

GeneDx
Classification: Benign. Last evaluated: 2015-03-03. Review status: criteria provided, single submitter. Criteria: GeneDx Variant Classification Process June 2021. Collection method: clinical testing. Allele origin: germline. Affected: yes.

Laboratory for Molecular Medicine, Mass General Brigham Personalized Medicine
Classification: Likely benign. Last evaluated: 2012-04-30. Review status: criteria provided, single submitter. Criteria: LMM Criteria. Collection method: clinical testing. Allele origin: germline. Observed: 2 variant alleles.
Comment: p.Tyr171Tyr in exon 3 of KCNQ1: This variant is not expected to have clinical si gnificance because it does not alter an amino acid residue, is not located withi n the splice consensus sequence, and has been identified in 0.2% (11/7020) of Eu ropean American chromosomes from a broad population by the NHLBI Exome Sequencin g Project (dbSNP rs139042529).

PreventionGenetics, part of Exact Sciences
Classification: Likely benign for KCNQ1-related condition. Last evaluated: 2019-04-15. Review status: no assertion criteria provided. Collection method: clinical testing. Allele origin: germline. Not counted in ClinVar's aggregate classification.
Comment: This variant is classified as likely benign based on ACMG/AMP sequence variant interpretation guidelines (Richards et al. 2015 PMID: 25741868, with internal and published modifications).

Literature cited by the submitters: PubMed 15547041 (cited by Women's Health and Genetics/Laboratory Corporation of America, LabCorp); PubMed 18752142 (cited by Women's Health and Genetics/Laboratory Corporation of America, LabCorp).

NM_000218.3(KCNQ1):c.513C>T (p.Tyr171=)

Gene: KCNQ1 (potassium voltage-gated channel subfamily Q member 1; plus strand). Cytogenetic location: 11p15.5.
Variant type: single nucleotide variant.
Coding change: c.513C>T on transcript NM_000218.3 (MANE Select); coding-DNA position 513, C replaced by T.
Protein change: p.Tyr171=; no amino-acid change (tyrosine 171 retained).
Molecular consequence: synonymous variant. On other transcripts: intron variant (1).
Genome position (GRCh38, 1-based): chr11:2,570,663, C>T. VCF-style: chr11-2570663-C-T. GRCh37 (hg19) VCF-style: chr11-2591893-C-T.
Other names: p.Tyr171=; c.513C>T, p.Tyr171= (NM_001406836.1); c.243C>T, p.Tyr81= (NM_001406837.1); c.132C>T, p.Tyr44= (NM_181798.2); c.478-12772C>T (NM_001406838.1).
Identifiers: ClinVar variation 178385 (VCV000178385.64), dbSNP rs139042529, ClinGen allele CA007303.